The following is an entry in ClinVar:

ClinVar aggregate classification (germline): Uncertain significance (1 of 4 stars; one submission).

Conditions:
Hereditary cancer-predisposing syndrome. Also called: Tumor predisposition; Hereditary neoplastic syndrome; Hereditary Cancer Syndrome; Neoplastic Syndromes, Hereditary. Identifiers: Orphanet 140162, MedGen C0027672, MeSH D009386, MONDO:0015356.

Allele frequency attached by ClinVar (database versions not stated): gnomAD exomes 0.00001; ExAC 0.00005.
gnomAD v4.1: 6 of 1,550,044 alleles (0.00039%); highest among the groups gnomAD compares: South Asian, 0.0071%; no homozygotes.

Submission:

Ambry Genetics
Classification: Uncertain significance for Hereditary cancer-predisposing syndrome. Last evaluated: 2024-02-26. Review status: criteria provided, single submitter. Criteria: Ambry Variant Classification Scheme 2023. Collection method: clinical testing. Allele origin: germline.
Comment: The p.E959V variant (also known as c.2876A>T), located in coding exon 22 of the POLD1 gene, results from an A to T substitution at nucleotide position 2876. The glutamic acid at codon 959 is replaced by valine, an amino acid with dissimilar properties. This amino acid position is conserved. In addition, the in silico prediction for this alteration is inconclusive. Based on the available evidence, the clinical significance of this alteration remains unclear.

NM_002691.4(POLD1):c.2876A>T (p.Glu959Val)

Gene: POLD1 (DNA polymerase delta 1, catalytic subunit; plus strand). Cytogenetic location: 19q13.33.
Variant type: single nucleotide variant.
Coding change: c.2876A>T on transcript NM_002691.4 (MANE Select); coding-DNA position 2876, A replaced by T.
Protein change: p.Glu959Val; replaces glutamic acid 959 with valine.
Molecular consequence: missense variant. On other transcripts: non-coding transcript variant (1).
Genome position (GRCh38, 1-based): chr19:50,416,451, A>T. VCF-style: chr19-50416451-A-T. GRCh37 (hg19) VCF-style: chr19-50919708-A-T.
Other names: c.2876A>T, p.Glu959Val (NM_001256849.1); c.2954A>T, p.Glu985Val (NM_001308632.1); short protein forms E959V, E985V.
Identifiers: ClinVar variation 3222727 (VCV003222727.1), dbSNP rs774141689, ClinGen allele CA9596679.